The following is an entry in ClinVar:

NM_003590.5(CUL3):c.1314_1341delinsTCTCACA (p.Arg438_Ser447delinsSerLeuThr)

Gene: CUL3 (cullin 3; minus strand). Cytogenetic location: 2q36.2.
Variant type: Indel.
Coding change: c.1314_1341delinsTCTCACA on transcript NM_003590.5 (MANE Select); coding-DNA positions 1314 to 1341, GAGACTTCTCACAAATAAAAGTGTTTCT replaced by TCTCACA.
Protein change: p.Arg438_Ser447delinsSerLeuThr.
Molecular consequence: inframe indel.
Genome position (GRCh38, 1-based): chr2:224,503,688-224,503,715, AGAAACACTTTTATTTGTGAGAAGTCTC replaced by TGTGAGA on the plus strand (GAGACTTCTCACAAATAAAAGTGTTTCT replaced by TCTCACA on the coding strand, the reverse complement: CUL3 is on the minus strand). GRCh37 (hg19): chr2:225,368,405-225,368,432.
Other names: c.1116_1143delinsTCTCACA, p.Arg372_Ser381delinsSerLeuThr (NM_001257197.2); c.1332_1359delinsTCTCACA, p.Arg444_Ser453delinsSerLeuThr (NM_001257198.2).
Identifiers: ClinVar variation 2578292 (VCV002578292.1), dbSNP rs2469974134, ClinGen allele CA2580617718.

ClinVar aggregate classification (germline): Uncertain significance (1 of 4 stars; one submission).

Submission:

GeneDx
Classification: Uncertain significance. Last evaluated: 2023-03-02. Review status: criteria provided, single submitter. Criteria: GeneDx Variant Classification Process June 2021. Collection method: clinical testing. Allele origin: germline. Affected: yes.
Comment: Not observed at significant frequency in large population cohorts (gnomAD); In-frame deletion of 10 amino acids and insertion of 3 incorrect amino acids in a non-repeat region; In silico analysis supports a deleterious effect on protein structure/function; Has not been previously published as pathogenic or benign to our knowledge